The following is an entry in ClinVar:

NM_133433.4(NIPBL):c.6908A>C (p.Asn2303Thr)

Gene: NIPBL (NIPBL cohesin loading factor; plus strand). Cytogenetic location: 5p13.2.
Variant type: single nucleotide variant.
Coding change: c.6908A>C on transcript NM_133433.4 (MANE Select); coding-DNA position 6908, A replaced by C.
Protein change: p.Asn2303Thr; replaces asparagine 2303 with threonine.
Molecular consequence: missense variant.
Genome position (GRCh38, 1-based): chr5:37,049,255, A>C. VCF-style: chr5-37049255-A-C. GRCh37 (hg19) VCF-style: chr5-37049357-A-C.
Other names: c.6908A>C, p.Asn2303Thr (NM_001438586.1, NM_015384.5); short protein forms N2303T.
Identifiers: ClinVar variation 4086558 (VCV004086558.1).

ClinVar aggregate classification (germline): Uncertain significance (1 of 4 stars; one submission).

Submission:

GeneDx
Classification: Uncertain significance. Last evaluated: 2025-03-15. Review status: criteria provided, single submitter. Criteria: GeneDx Variant Classification Process June 2021. Collection method: clinical testing. Allele origin: germline. Affected: yes.
Comment: Not observed at significant frequency in large population cohorts (gnomAD); In silico analysis indicates that this missense variant does not alter protein structure/function; Has not been previously published as pathogenic or benign to our knowledge